The following is an entry in ClinVar:

NM_017617.5(NOTCH1):c.6626_6629del (p.Tyr2209fs)

Gene: NOTCH1 (notch receptor 1; minus strand). Cytogenetic location: 9q34.3.
Variant type: Deletion.
Coding change: c.6626_6629del on transcript NM_017617.5 (MANE Select); coding-DNA positions 6626 to 6629, 4 bases deleted (ACCT; older notation c.6626_6629delACCT).
Protein change: p.Tyr2209fs; shifts the reading frame from tyrosine 2209.
Molecular consequence: frameshift variant.
Genome position (GRCh38, 1-based): chr9:136,497,110-136,497,113, AGGT deleted on the plus strand (ACCT on the coding strand, the reverse complement: NOTCH1 is on the minus strand); deleting any 4 consecutive bases within chr9:136,497,110-136,497,115 gives the same sequence; the c. name uses the placement nearest the transcript's 3' end. VCF-style (leftmost placement, unchanged base first): chr9-136497109-CAGGT-C. GRCh37 (hg19) VCF-style: chr9-139391561-CAGGT-C.
Other names: short protein forms Y2209fs.
Identifiers: ClinVar variation 1723182 (VCV001723182.2), dbSNP rs2540421985, ClinGen allele CA2580080967.

ClinVar aggregate classification (germline): Pathogenic (1 of 4 stars; one submission).

Conditions:
Abnormal cardiovascular system morphology. Also called: Abnormality of cardiovascular system morphology. Identifiers: MedGen C4049796, HP:0030680.

Submission:

Provincial Medical Genetics Program of British Columbia, University of British Columbia
Classification: Pathogenic for Abnormal cardiovascular system morphology. Last evaluated: 2022-10-14. Review status: criteria provided, single submitter. Criteria: ACMG Guidelines, 2015. Collection method: clinical testing. Allele origin: de novo. Inheritance: Sporadic. Affected: yes. Observed: 1 heterozygote.
Comment: This NOTCH1 variant (Tyr2209CysfsTer38) was identified in a proposita with numerous cardiovascular abnormalities; a phenotype consistent with severe NOTCH1-related disorder.

Literature cited by the submitters: PubMed 25132448; PubMed 16025100.